The following is an entry in ClinVar:

NM_016013.4(NDUFAF1):c.865A>G (p.Lys289Glu)

Gene: NDUFAF1 (NADH:ubiquinone oxidoreductase complex assembly factor 1; minus strand). Cytogenetic location: 15q15.1.
Variant type: single nucleotide variant.
Coding change: c.865A>G on transcript NM_016013.4 (MANE Select); coding-DNA position 865, A replaced by G.
Protein change: p.Lys289Glu; replaces lysine 289 with glutamic acid.
Molecular consequence: missense variant. On other transcripts: non-coding transcript variant (1).
Genome position (GRCh38, 1-based): chr15:41,387,563, T>C on the plus strand (A>G on the coding strand, the complement: NDUFAF1 is on the minus strand). VCF-style: chr15-41387563-T-C. GRCh37 (hg19) VCF-style: chr15-41679761-T-C.
Other names: c.865A>G (NM_016013.2); short protein forms K289E.
Identifiers: ClinVar variation 1975712 (VCV001975712.6), dbSNP rs750164116, ClinGen allele CA7491207.

ClinVar aggregate classification (germline): Uncertain significance. Review status: criteria provided, multiple submitters, no conflicts (2 of 4 stars). 2 submissions from 2 submitters: Uncertain significance (2). Last evaluated 2023-12-27.

Allele frequency attached by ClinVar (database versions not stated): ExAC 0.00001; gnomAD 0.00001; TOPMed 0.00001; gnomAD exomes 0.00002.
gnomAD v4.1: 25 of 1,611,298 alleles (0.0016%); highest among the groups gnomAD compares: Middle Eastern, 0.016%; no homozygotes.

Submissions (2):

Ambry Genetics
Classification: Uncertain significance. Last evaluated: 2023-12-27. Review status: criteria provided, single submitter. Criteria: Ambry Variant Classification Scheme 2023. Collection method: clinical testing. Allele origin: germline.

Labcorp Genetics (formerly Invitae), Labcorp
Classification: Uncertain significance. Last evaluated: 2022-06-25. Review status: criteria provided, single submitter. Criteria: Invitae Variant Classification Sherloc (09022015). Collection method: clinical testing. Allele origin: germline.
Comment: This sequence change replaces lysine, which is basic and polar, with glutamic acid, which is acidic and polar, at codon 289 of the NDUFAF1 protein (p.Lys289Glu). This variant is present in population databases (rs750164116, gnomAD 0.007%). This variant has not been reported in the literature in individuals affected with NDUFAF1-related conditions. Algorithms developed to predict the effect of missense changes on protein structure and function are either unavailable or do not agree on the potential impact of this missense change (SIFT: "Deleterious"; PolyPhen-2: "Probably Damaging"; Align-GVGD: "Class C15"). In summary, the available evidence is currently insufficient to determine the role of this variant in disease. Therefore, it has been classified as a Variant of Uncertain Significance.